The following is an entry in ClinVar:

NM_000548.5(TSC2):c.5068+8_5068+9insAGGTGGGGCCCTGCAGTGCAGGAAAGGTAGGGCC

Gene: TSC2 (TSC complex subunit 2; plus strand). Cytogenetic location: 16p13.3.
Variant type: Insertion.
Coding change: c.5068+8_5068+9insAGGTGGGGCCCTGCAGTGCAGGAAAGGTAGGGCC on transcript NM_000548.5 (MANE Select); bases 8 to 9 of the intron after coding-DNA position 5068, AGGTGGGGCCCTGCAGTGCAGGAAAGGTAGGGCC inserted.
Molecular consequence: splice donor variant.
Genome position: GRCh38: chr16:2,087,949-2,087,950. GRCh37 (hg19): chr16:2,137,950-2,137,951.
Other names: c.3526+8_3526+9insAGGTGGGGCCCTGCAGTGCAGGAAAGGTAGGGCC (NM_001406693.1, NM_001406692.1, NM_001406694.1); c.4960+8_4960+9insAGGTGGGGCCCTGCAGTGCAGGAAAGGTAGGGCC (NM_001406667.1); c.4957+8_4957+9insAGGTGGGGCCCTGCAGTGCAGGAAAGGTAGGGCC (NM_001406668.1); c.4468+8_4468+9insAGGTGGGGCCCTGCAGTGCAGGAAAGGTAGGGCC (NM_001406680.1); c.4399+8_4399+9insAGGTGGGGCCCTGCAGTGCAGGAAAGGTAGGGCC (NM_001406683.1, NM_001406682.1); c.4267+8_4267+9insAGGTGGGGCCCTGCAGTGCAGGAAAGGTAGGGCC (NM_001406687.1, NM_001406688.1); c.3655+8_3655+9insAGGTGGGGCCCTGCAGTGCAGGAAAGGTAGGGCC (NM_001406689.1); c.3595+8_3595+9insAGGTGGGGCCCTGCAGTGCAGGAAAGGTAGGGCC (NM_001406690.1); and 26 more.
Identifiers: ClinVar variation 2757608 (VCV002757608.3), dbSNP rs2151613990, ClinGen allele CA2697549438.

ClinVar aggregate classification (germline): Uncertain significance (1 of 4 stars; one submission).

Conditions:
Tuberous sclerosis 2 (TSC2). Identifiers: Orphanet 805, MedGen C1860707, MONDO:0013199, OMIM 613254.

Submission:

Labcorp Genetics (formerly Invitae), Labcorp
Classification: Uncertain significance for Tuberous sclerosis 2. Last evaluated: 2023-09-04. Review status: criteria provided, single submitter. Criteria: Invitae Variant Classification Sherloc (09022015). Collection method: clinical testing. Allele origin: germline.
Comment: In summary, the available evidence is currently insufficient to determine the role of this variant in disease. Therefore, it has been classified as a Variant of Uncertain Significance. Experimental studies and prediction algorithms are not available or were not evaluated, and the effect of this variant on mRNA splicing is currently unknown. This variant has not been reported in the literature in individuals affected with TSC2-related conditions. This variant is not present in population databases (gnomAD no frequency). This sequence change falls in intron 39 of the TSC2 gene. It does not directly change the encoded amino acid sequence of the TSC2 protein.